The following is an entry in ClinVar:

NM_001447.3(FAT2):c.11551G>A (p.Glu3851Lys)

Genes: FAT2 (FAT atypical cadherin 2; minus strand), SLC36A1 (solute carrier family 36 member 1; plus strand). Cytogenetic location: 5q33.1.
Variant type: single nucleotide variant.
Coding change: c.11551G>A on transcript NM_001447.3 (MANE Select); coding-DNA position 11551, G replaced by A.
Protein change: p.Glu3851Lys; replaces glutamic acid 3851 with lysine.
Molecular consequence: missense variant.
Genome position (GRCh38, 1-based): chr5:151,512,519, C>T on the plus strand (G>A on the coding strand, the complement: FAT2 is on the minus strand). VCF-style: chr5-151512519-C-T. GRCh37 (hg19) VCF-style: chr5-150892080-C-T.
Other names: short protein forms E3851K.
Identifiers: ClinVar variation 2059835 (VCV002059835.6), dbSNP rs149409918, ClinGen allele CA3519980.

ClinVar aggregate classification (germline): Uncertain significance. Review status: criteria provided, multiple submitters, no conflicts (2 of 4 stars). 2 submissions from 2 submitters: Uncertain significance (2). Last evaluated 2025-03-15.

Allele frequency attached by ClinVar (database versions not stated): ESP Exome Variant Server 0.00038; TOPMed 0.00029; gnomAD exomes 0.00003; ExAC 0.00006; gnomAD 0.00021.
gnomAD v4.1: 71 of 1,614,008 alleles (0.0044%); highest among the groups gnomAD compares: African/African-American, 0.08%; no homozygotes.

Submissions (2):

Ambry Genetics
Classification: Uncertain significance. Last evaluated: 2025-03-15. Review status: criteria provided, single submitter. Criteria: Ambry Variant Classification Scheme 2023. Collection method: clinical testing. Allele origin: germline.

Labcorp Genetics (formerly Invitae), Labcorp
Classification: Uncertain significance. Last evaluated: 2022-11-07. Review status: criteria provided, single submitter. Criteria: Invitae Variant Classification Sherloc (09022015). Collection method: clinical testing. Allele origin: germline.
Comment: In summary, the available evidence is currently insufficient to determine the role of this variant in disease. Therefore, it has been classified as a Variant of Uncertain Significance. Algorithms developed to predict the effect of missense changes on protein structure and function output the following: SIFT: "Deleterious"; PolyPhen-2: "Benign"; Align-GVGD: "Class C0". The lysine amino acid residue is found in multiple mammalian species, which suggests that this missense change does not adversely affect protein function. This variant has not been reported in the literature in individuals affected with FAT2-related conditions. This variant is present in population databases (rs149409918, gnomAD 0.07%), and has an allele count higher than expected for a pathogenic variant. This sequence change replaces glutamic acid, which is acidic and polar, with lysine, which is basic and polar, at codon 3851 of the FAT2 protein (p.Glu3851Lys).